The following is an entry in ClinVar:

NM_001999.4(FBN2):c.3200G>C (p.Gly1067Ala)

Genes: FBN2 (fibrillin 2; minus strand), LOC126807501 (BRD4-independent group 4 enhancer GRCh37_chr5:127680731-127681930; plus strand). Cytogenetic location: 5q23.3.
Variant type: single nucleotide variant.
Coding change: c.3200G>C on transcript NM_001999.4 (MANE Select); coding-DNA position 3200, G replaced by C.
Protein change: p.Gly1067Ala; replaces glycine 1067 with alanine.
Molecular consequence: missense variant.
Genome position (GRCh38, 1-based): chr5:128,345,374, C>G on the plus strand (G>C on the coding strand, the complement: FBN2 is on the minus strand). VCF-style: chr5-128345374-C-G. GRCh37 (hg19) VCF-style: chr5-127681066-C-G.
Other names: short protein forms G1067A.
Identifiers: ClinVar variation 977310 (VCV000977310.3), dbSNP rs1751146734, ClinGen allele CA360762655.

ClinVar aggregate classification (germline): Uncertain significance (1 of 4 stars; one submission).

Conditions:
Congenital contractural arachnodactyly (CCA). Also called: BEALS SYNDROME; Arthrogryposis, distal, type 9; Beals-Hecht syndrome. Identifiers: Orphanet 115, MedGen C0220668, MONDO:0007363, OMIM 121050.

Submission:

Breda Genetics srl
Classification: Uncertain significance for Congenital contractural arachnodactyly. Last evaluated: 2020-03-12. Review status: criteria provided, single submitter. Criteria: ACMG Guidelines, 2015. Collection method: clinical testing. Allele origin: germline. Inheritance: Autosomal dominant inheritance. Affected: yes. Observed: 1 variant allele, 1 heterozygote.
Comment: The variant c.3200G>C (p.Gly1067Ala) has not been reported in dbSNP, gnomAD, 1000 Genomes, NHLBI Exome Sequencing Project (ESP) or ClinVar. The nucleotide position is conserved across 35 mammalian species (GERP RS: 4.05). In silico analysis indicates that the variant might be damaging. It should be noted that pathogenic variants in the FBN2 gene are located in the central region of the gene (exons 24-35). Both the negative dominant effect and loss-of-function can be a pathogenic mechanism of FBN2 mutations (Callewaert, 2019, PMID: 20301560). Based on ACMG variant interpretation guidelines, we classify this variant as uncertain. However, on the basis of the aforementioned evidence, there is a given likelihood that the variant may actually be pathogenic, even if we cannot exclude that it is a rare benign variant.